The following is an entry in ClinVar:

ClinVar aggregate classification (germline): Uncertain significance (1 of 4 stars; one submission).

Conditions:
Charcot-Marie-Tooth disease type 2. Also called: Charcot-Marie-Tooth type 2. Identifiers: Orphanet 64746, MedGen C0270914, MONDO:0018993.

Submission:

Labcorp Genetics (formerly Invitae), Labcorp
Classification: Uncertain significance for Charcot-Marie-Tooth disease type 2. Last evaluated: 2024-05-23. Review status: criteria provided, single submitter. Criteria: Invitae Variant Classification Sherloc (09022015). Collection method: clinical testing. Allele origin: germline.
Comment: This sequence change replaces alanine, which is neutral and non-polar, with glycine, which is neutral and non-polar, at codon 910 of the AARS protein (p.Ala910Gly). This variant is not present in population databases (gnomAD no frequency). This variant has not been reported in the literature in individuals affected with AARS-related conditions. Advanced modeling of protein sequence and biophysical properties (such as structural, functional, and spatial information, amino acid conservation, physicochemical variation, residue mobility, and thermodynamic stability) performed at Invitae indicates that this missense variant is not expected to disrupt AARS protein function with a negative predictive value of 95%. In summary, the available evidence is currently insufficient to determine the role of this variant in disease. Therefore, it has been classified as a Variant of Uncertain Significance.

NM_001605.3(AARS1):c.2729C>G (p.Ala910Gly)

Gene: AARS1 (alanyl-tRNA synthetase 1; minus strand). Cytogenetic location: 16q22.1.
Variant type: single nucleotide variant.
Coding change: c.2729C>G on transcript NM_001605.3 (MANE Select); coding-DNA position 2729, C replaced by G.
Protein change: p.Ala910Gly; replaces alanine 910 with glycine.
Molecular consequence: missense variant.
Genome position (GRCh38, 1-based): chr16:70,252,899, G>C on the plus strand (C>G on the coding strand, the complement: AARS1 is on the minus strand). VCF-style: chr16-70252899-G-C. GRCh37 (hg19) VCF-style: chr16-70286802-G-C.
Other names: short protein forms A910G.
Identifiers: ClinVar variation 3670340 (VCV003670340.2).
Genomic context (GRCh38, chr16:70,252,899, plus strand): 5'-TTACCGTCCATCAAGCCTGACACCTGCTGCACCCACTCGCTGGCTTTTAAGCCCCGATTG[G>C]CTGCATTCTAGAAGACAGGAAGGGAAGGGGGAGTCAGCACAGAAGATGGGATTGAGGGAG-3'
Protein context (NP_001596.2, residues 900-920): TCLCQVPQNA[Ala910Gly]NRGLKASEWV